The following is an entry in ClinVar:

NM_001130438.3(SPTAN1):c.6762+3_6762+6del

Gene: SPTAN1 (spectrin alpha, non-erythrocytic 1; plus strand). Cytogenetic location: 9q34.11.
Variant type: Microsatellite.
Coding change: c.6762+3_6762+6del on transcript NM_001130438.3 (MANE Select); bases 3 to 6 of the intron after coding-DNA position 6762, 4 bases deleted (AAGT; older notation c.6762+3_6762+6delAAGT).
Molecular consequence: splice donor variant.
Genome position (GRCh38, 1-based): chr9:128,630,378-128,630,381, AAGT deleted; deleting any 4 consecutive bases within chr9:128,630,374-128,630,381 gives the same sequence; the c. name uses the placement nearest the transcript's 3' end. VCF-style (leftmost placement, unchanged base first): chr9-128630373-AAAGT-A. GRCh37 (hg19) VCF-style: chr9-131392652-AAAGT-A.
Other names: c.6861+3_6861+6del (NM_001375318.1); c.6798+3_6798+6del (NM_001375312.2); c.6762+3_6762+6del (NM_001375311.2); c.6702+3_6702+6del (NM_001375314.2, NM_001363765.2); c.6849+3_6849+6del (NM_001375310.1); c.6825+3_6825+6del (NM_001363759.2); c.6744+3_6744+6del (NM_001375313.1); c.6747+3_6747+6del (NM_003127.4); and 2 more.
Identifiers: ClinVar variation 530422 (VCV000530422.8), dbSNP rs1554768212, ClinGen allele CA658797299.

ClinVar aggregate classification (germline): Uncertain significance. Review status: criteria provided, multiple submitters, no conflicts (2 of 4 stars). 2 submissions from 2 submitters: Uncertain significance (2). Last evaluated 2026-04-22.

Conditions:
Early-infantile DEE. Also called: Early infantile epileptic encephalopathy with suppression bursts; Ohtahara syndrome; Early infantile epileptic encephalopathy. Identifiers: Orphanet 1934, MedGen C0393706, MONDO:0800491.
Other rare neuromuscular disorders.

Submissions (2):

NHS Central & South Genomic Laboratory Hub
Classification: Uncertain significance for Other rare neuromuscular disorders. Last evaluated: 2026-04-22. Review status: criteria provided, single submitter. Criteria: ACMG Guidelines, 2015. Collection method: clinical testing. Allele origin: germline. Affected: yes.

Labcorp Genetics (formerly Invitae), Labcorp
Classification: Uncertain significance for Early-infantile DEE. Last evaluated: 2017-12-24. Review status: criteria provided, single submitter. Criteria: Invitae Variant Classification Sherloc (09022015). Collection method: clinical testing. Allele origin: germline.
Comment: This variant has not been reported in the literature in individuals with SPTAN1-related disease. In summary, the available evidence is currently insufficient to determine the role of this variant in disease. Therefore, it has been classified as a Variant of Uncertain Significance. Nucleotide substitutions within the consensus splice site are a relatively common cause of aberrant splicing (PMID: 17576681, 9536098). Algorithms developed to predict the effect of sequence changes on RNA splicing suggest that this variant may disrupt the consensus splice site, but this prediction has not been confirmed by published transcriptional studies. This variant is not present in population databases (ExAC no frequency). This sequence change falls in intron 52 of the SPTAN1 gene. It does not directly change the encoded amino acid sequence of the SPTAN1 protein, but it affects a nucleotide within the consensus splice site of the intron.

Literature cited by the submitters: PubMed 17576681 (cited by Labcorp Genetics (formerly Invitae), Labcorp); PubMed 9536098 (cited by Labcorp Genetics (formerly Invitae), Labcorp).